The following is an entry in ClinVar:

NM_015295.3(SMCHD1):c.5914C>T (p.Arg1972Cys)

Gene: SMCHD1 (structural maintenance of chromosomes flexible hinge domain containing 1; plus strand). Cytogenetic location: 18p11.32.
Variant type: single nucleotide variant.
Coding change: c.5914C>T on transcript NM_015295.3 (MANE Select); coding-DNA position 5914, C replaced by T.
Protein change: p.Arg1972Cys; replaces arginine 1972 with cysteine.
Molecular consequence: missense variant.
Genome position (GRCh38, 1-based): chr18:2,796,442, C>T. VCF-style: chr18-2796442-C-T. GRCh37 (hg19) VCF-style: chr18-2796440-C-T.
Other names: short protein forms R1972C.
Identifiers: ClinVar variation 595161 (VCV000595161.10), dbSNP rs778853203, ClinGen allele CA8871817.
Genomic context (GRCh38, chr18:2,796,442, plus strand): 5'-CTTTCTACATTTTCCATCTTCACAGGTATGACTCCCATACGTAAGTGTAATGACTCATTG[C>T]GTCATTCACCAAAGGTTGAGACGACAGATTGTCCAGTTCCTCCTAAAAGAATGAGACGAG-3'
Protein context (NP_056110.2, residues 1962-1982): TPIRKCNDSL[Arg1972Cys]HSPKVETTDC

ClinVar aggregate classification (germline): Uncertain significance. Review status: criteria provided, multiple submitters, no conflicts (2 of 4 stars). 2 submissions from 2 submitters: Uncertain significance (2). Last evaluated 2026-02-01.

Conditions:
Facioscapulohumeral muscular dystrophy 2 (FSHD2). Also called: MUSCULAR DYSTROPHY, FACIOSCAPULOHUMERAL, TYPE 1B; FACIOSCAPULOHUMERAL MUSCULAR DYSTROPHY 2, DIGENIC; FSHD2, DIGENIC. Identifiers: Orphanet 269, MedGen C1834671, MONDO:0008031, OMIM 158901.

Allele frequency attached by ClinVar (database versions not stated): gnomAD 0.00001; gnomAD exomes 0.00005 and 0.00012; TOPMed 0.00005; ExAC 0.00012.
gnomAD v4.1: 70 of 1,602,712 alleles (0.0044%); highest among the groups gnomAD compares: Admixed American, 0.038%; no homozygotes.

Submissions (2):

Labcorp Genetics (formerly Invitae), Labcorp
Classification: Uncertain significance for Facioscapulohumeral muscular dystrophy 2. Last evaluated: 2026-02-01. Review status: criteria provided, single submitter. Criteria: Invitae Variant Classification Sherloc (09022015). Collection method: clinical testing. Allele origin: germline.
Comment: This sequence change replaces arginine, which is basic and polar, with cysteine, which is neutral and slightly polar, at codon 1972 of the SMCHD1 protein (p.Arg1972Cys). This variant is present in population databases (rs778853203, gnomAD 0.06%), and has an allele count higher than expected for a pathogenic variant. This variant has not been reported in the literature in individuals affected with SMCHD1-related conditions. ClinVar contains an entry for this variant (Variation ID: 595161). An algorithm developed to predict the effect of missense changes on protein structure and function outputs the following: PolyPhen-2: "Benign". The cysteine amino acid residue is found in multiple mammalian species, which suggests that this missense change does not adversely affect protein function. In summary, the available evidence is currently insufficient to determine the role of this variant in disease. Therefore, it has been classified as a Variant of Uncertain Significance.

Eurofins Ntd Llc (ga)
Classification: Uncertain significance. Last evaluated: 2017-11-28. Review status: criteria provided, single submitter. Criteria: EGL Classification Definitions 2015. Collection method: clinical testing. Allele origin: germline. Observed: 1 variant allele, 1 heterozygote.